The following is an entry in ClinVar:

NM_013275.6(ANKRD11):c.7798C>T (p.Arg2600Cys)

Gene: ANKRD11 (ankyrin repeat domain 11; minus strand). Cytogenetic location: 16q24.3.
Variant type: single nucleotide variant.
Coding change: c.7798C>T on transcript NM_013275.6 (MANE Select); coding-DNA position 7798, C replaced by T.
Protein change: p.Arg2600Cys; replaces arginine 2600 with cysteine.
Molecular consequence: missense variant.
Genome position (GRCh38, 1-based): chr16:89,270,825, G>A on the plus strand (C>T on the coding strand, the complement: ANKRD11 is on the minus strand). VCF-style: chr16-89270825-G-A. GRCh37 (hg19) VCF-style: chr16-89337233-G-A.
Other names: c.7798C>T, p.Arg2600Cys (NM_001256182.2, NM_001256183.2); short protein forms R2600C.
Identifiers: ClinVar variation 3381522 (VCV003381522.3).

ClinVar aggregate classification (germline): Uncertain significance. Review status: criteria provided, multiple submitters, no conflicts (2 of 4 stars). 2 submissions from 2 submitters: Uncertain significance (2). Last evaluated 2025-01-06.

Conditions:
KBG syndrome (KBGS). Also called: ANKRD11-Related KBG Syndrome. Identifiers: Orphanet 2332, MedGen C0220687, MONDO:0007846, OMIM 148050.

gnomAD v4.1: 2 of 1,613,774 alleles (0.00012%); highest among the groups gnomAD compares: South Asian, 0.0011%; no homozygotes.

Submissions (2):

Labcorp Genetics (formerly Invitae), Labcorp
Classification: Uncertain significance for KBG syndrome. Last evaluated: 2025-01-06. Review status: criteria provided, single submitter. Criteria: Invitae Variant Classification Sherloc (09022015). Collection method: clinical testing. Allele origin: germline.
Comment: This sequence change replaces arginine, which is basic and polar, with cysteine, which is neutral and slightly polar, at codon 2600 of the ANKRD11 protein (p.Arg2600Cys). This variant is not present in population databases (gnomAD no frequency). This variant has not been reported in the literature in individuals affected with ANKRD11-related conditions. Invitae Evidence Modeling of protein sequence and biophysical properties (such as structural, functional, and spatial information, amino acid conservation, physicochemical variation, residue mobility, and thermodynamic stability) indicates that this missense variant is expected to disrupt ANKRD11 protein function with a positive predictive value of 80%. In summary, the available evidence is currently insufficient to determine the role of this variant in disease. Therefore, it has been classified as a Variant of Uncertain Significance.

GeneDx
Classification: Uncertain significance. Last evaluated: 2024-05-18. Review status: criteria provided, single submitter. Criteria: GeneDx Variant Classification Process June 2021. Collection method: clinical testing. Allele origin: germline. Affected: yes.
Comment: Not observed at significant frequency in large population cohorts (gnomAD); In silico analysis supports that this missense variant has a deleterious effect on protein structure/function; Has not been previously published as pathogenic or benign to our knowledge